The following is an entry in ClinVar:

ClinVar aggregate classification (germline): Uncertain significance (1 of 4 stars; one submission).

Submission:

Women's Health and Genetics/Laboratory Corporation of America, LabCorp
Classification: Uncertain significance. Last evaluated: 2024-07-17. Review status: criteria provided, single submitter. Criteria: LabCorp Variant Classification Summary - May 2015. Collection method: clinical testing. Allele origin: germline.
Comment: Variant summary: ABCC8 c.4225A>T (p.Ile1409Phe) results in a non-conservative amino acid change located in the ABC transporter-like, ATP-binding domain (IPR003439) of the encoded protein sequence. Five of five in-silico tools predict a damaging effect of the variant on protein function. The variant was absent in 165296 control chromosomes. The available data on variant occurrences in the general population are insufficient to allow any conclusion about variant significance. c.4225A>T has been reported in the literature in at least one compound heterozygous individual affected with congenital hyperinsulinism (e.g., Bellann-Chantelot__2010). These data do not allow any conclusion about variant significance. To our knowledge, no experimental evidence demonstrating an impact on protein function has been reported. The following publication has been ascertained in the context of this evaluation (PMID: 20685672). No submitters have cited clinical-significance assessments for this variant to ClinVar. Based on the evidence outlined above, the variant was classified as uncertain significance.

Literature cited by the submitters: PubMed 20685672.

NM_000352.6(ABCC8):c.4225A>T (p.Ile1409Phe)

Gene: ABCC8 (ATP binding cassette subfamily C member 8; minus strand). Cytogenetic location: 11p15.1.
Variant type: single nucleotide variant.
Coding change: c.4225A>T on transcript NM_000352.6 (MANE Select); coding-DNA position 4225, A replaced by T.
Protein change: p.Ile1409Phe; replaces isoleucine 1409 with phenylalanine.
Molecular consequence: missense variant. On other transcripts: non-coding transcript variant (1).
Genome position (GRCh38, 1-based): chr11:17,395,692, T>A on the plus strand (A>T on the coding strand, the complement: ABCC8 is on the minus strand). VCF-style: chr11-17395692-T-A. GRCh37 (hg19) VCF-style: chr11-17417239-T-A.
Other names: c.4228A>T, p.Ile1410Phe (NM_001287174.3); c.4291A>T, p.Ile1431Phe (NM_001351295.2); c.4225A>T, p.Ile1409Phe (NM_001351296.2); c.4222A>T, p.Ile1408Phe (NM_001351297.2); short protein forms I1408F, I1409F, I1410F, I1431F.
Identifiers: ClinVar variation 3339468 (VCV003339468.1).
Genomic context (GRCh38, chr11:17,395,692, plus strand): 5'-CGGGGTCCTGCAGGATGATGGAGAGGCGTGAGCGCAGGGTGTGCAGCGGCAGTTTGGCGA[T>A]GTCAATGCCATCAATGATGATGTGCCCTGCATGGGTCCCAGTGAGGGTGCAGGGGAAGGC-3'
Protein context (NP_000343.2, residues 1399-1419): EGHIIIDGID[Ile1409Phe]AKLPLHTLRS